The following is an entry in ClinVar:

NM_014365.3(HSPB8):c.50G>C (p.Arg17Pro)

Gene: HSPB8 (heat shock protein family B (small) member 8; plus strand). Cytogenetic location: 12q24.23.
Variant type: single nucleotide variant.
Coding change: c.50G>C on transcript NM_014365.3 (MANE Select); coding-DNA position 50, G replaced by C.
Protein change: p.Arg17Pro; replaces arginine 17 with proline.
Molecular consequence: missense variant.
Genome position (GRCh38, 1-based): chr12:119,179,362, G>C. VCF-style: chr12-119179362-G-C. GRCh37 (hg19) VCF-style: chr12-119617167-G-C.
Other names: short protein forms R17P.
Identifiers: ClinVar variation 2856907 (VCV002856907.3), dbSNP rs146997263, ClinGen allele CA386523943.

ClinVar aggregate classification (germline): Uncertain significance (1 of 4 stars; one submission).

Conditions:
Charcot-Marie-Tooth disease axonal type 2L. Also called: Charcot-Marie-Tooth Neuropathy Type 2L; CHARCOT-MARIE-TOOTH DISEASE, AXONAL, AUTOSOMAL DOMINANT, TYPE 2L; CHARCOT-MARIE-TOOTH NEUROPATHY, AXONAL, TYPE 2L. Identifiers: Orphanet 99945, MedGen C1837552, MONDO:0012096, OMIM 608673.

Submission:

Labcorp Genetics (formerly Invitae), Labcorp
Classification: Uncertain significance for Charcot-Marie-Tooth disease axonal type 2L. Last evaluated: 2023-04-16. Review status: criteria provided, single submitter. Criteria: Invitae Variant Classification Sherloc (09022015). Collection method: clinical testing. Allele origin: germline.
Comment: This variant is not present in population databases (gnomAD no frequency). This sequence change replaces arginine, which is basic and polar, with proline, which is neutral and non-polar, at codon 17 of the HSPB8 protein (p.Arg17Pro). In summary, the available evidence is currently insufficient to determine the role of this variant in disease. Therefore, it has been classified as a Variant of Uncertain Significance. An algorithm developed to predict the effect of missense changes on protein structure and function (PolyPhen-2) suggests that this variant is likely to be disruptive. This variant has not been reported in the literature in individuals affected with HSPB8-related conditions.